The following is an entry in ClinVar:

ClinVar aggregate classification (germline): Likely pathogenic (1 of 4 stars; one submission).

Submission:

Labcorp Genetics (formerly Invitae), Labcorp
Classification: Likely pathogenic. Last evaluated: 2023-08-11. Review status: criteria provided, single submitter. Criteria: Invitae Variant Classification Sherloc (09022015). Collection method: clinical testing. Allele origin: germline.
Comment: This variant has not been reported in the literature in individuals affected with CAD-related conditions. This variant is not present in population databases (gnomAD no frequency). In summary, the currently available evidence indicates that the variant is pathogenic, but additional data are needed to prove that conclusively. Therefore, this variant has been classified as Likely Pathogenic. Algorithms developed to predict the effect of sequence changes on RNA splicing suggest that this variant may disrupt the consensus splice site. This sequence change affects an acceptor splice site in intron 25 of the CAD gene. It is expected to disrupt RNA splicing. Variants that disrupt the donor or acceptor splice site typically lead to a loss of protein function (PMID: 16199547), and loss-of-function variants in CAD are known to be pathogenic (PMID: 28007989, 32117025, 32820246, 33497533).

Literature cited by the submitters: PubMed 16199547; PubMed 28007989; PubMed 32117025; PubMed 32820246; PubMed 33497533.

NM_004341.5(CAD):c.4075-1G>A

Gene: CAD (carbamoyl-phosphate synthetase 2, aspartate transcarbamylase, and dihydroorotase; plus strand). Cytogenetic location: 2p23.3.
Variant type: single nucleotide variant.
Coding change: c.4075-1G>A on transcript NM_004341.5 (MANE Select); the canonical splice acceptor site of the intron before coding-DNA position 4075, G replaced by A.
Molecular consequence: splice acceptor variant.
Genome position (GRCh38, 1-based): chr2:27,236,283, G>A. VCF-style: chr2-27236283-G-A. GRCh37 (hg19) VCF-style: chr2-27459151-G-A.
Other names: c.3886-1G>A (NM_001306079.2).
Identifiers: ClinVar variation 2975349 (VCV002975349.3), dbSNP rs2465341074, ClinGen allele CA346218834.